The following is an entry in ClinVar:

NM_003579.4(RAD54L):c.2216C>T (p.Ser739Phe)

Genes: LRRC41 (leucine rich repeat containing 41; minus strand), RAD54L (RAD54 like; plus strand). Cytogenetic location: 1p34.1.
Variant type: single nucleotide variant.
Coding change: c.2216C>T on transcript NM_003579.4 (MANE Select); coding-DNA position 2216, C replaced by T.
Protein change: p.Ser739Phe; replaces serine 739 with phenylalanine.
Molecular consequence: missense variant. On other transcripts: 3 prime UTR variant (1).
Genome position (GRCh38, 1-based): chr1:46,278,254, C>T. VCF-style: chr1-46278254-C-T. GRCh37 (hg19) VCF-style: chr1-46743926-C-T.
Other names: c.*611G>A (NM_006369.5); c.2216C>T, p.Ser739Phe (NM_001142548.2); c.1676C>T, p.Ser559Phe (NM_001370766.1); short protein forms S559F, S739F.
Identifiers: ClinVar variation 1787843 (VCV001787843.2), dbSNP rs2525732754, ClinGen allele CA340191480.
Genomic context (GRCh38, chr1:46,278,254, plus strand): 5'-TACTCCAGGCTGCCTGGGATGCTGCCTCCACTGCCATCACCTTCGTCTTCCACCAGCGTT[C>T]TCATGAGGAGCAGCGGGGCCTCCGCTGATAACCAGCTGGTCTGGGTGTAGCTCTTAGAGG-3'
Protein context (NP_003570.2, residues 729-747): TAITFVFHQR[Ser739Phe]HEEQRGLR

ClinVar aggregate classification (germline): Uncertain significance (1 of 4 stars; one submission).

Submission:

Ambry Genetics
Classification: Uncertain significance. Last evaluated: 2022-06-24. Review status: criteria provided, single submitter. Criteria: Ambry Variant Classification Scheme 2023. Collection method: clinical testing. Allele origin: germline.
Comment: The p.S739F variant (also known as c.2216C>T), located in coding exon 18 of the RAD54L gene, results from a C to T substitution at nucleotide position 2216. The serine at codon 739 is replaced by phenylalanine, an amino acid with highly dissimilar properties. This amino acid position is conserved. In addition, this alteration is predicted to be deleterious by in silico analysis. Since supporting evidence is limited at this time, the clinical significance of this alteration remains unclear.